The following is an entry in ClinVar:

NM_001378328.1(CELSR1):c.8909G>A (p.Gly2970Asp)

Gene: CELSR1 (cadherin EGF LAG seven-pass G-type receptor 1; minus strand). Cytogenetic location: 22q13.31.
Variant type: single nucleotide variant.
Coding change: c.8909G>A on transcript NM_001378328.1 (MANE Select); coding-DNA position 8909, G replaced by A.
Protein change: p.Gly2970Asp; replaces glycine 2970 with aspartic acid.
Molecular consequence: missense variant.
Genome position (GRCh38, 1-based): chr22:46,364,122, C>T on the plus strand (G>A on the coding strand, the complement: CELSR1 is on the minus strand). VCF-style: chr22-46364122-C-T. GRCh37 (hg19) VCF-style: chr22-46760019-C-T.
Other names: c.8909G>A, p.Gly2970Asp (NM_014246.4); short protein forms G2970D.
Identifiers: ClinVar variation 3340820 (VCV003340820.1).

ClinVar aggregate classification (germline): Uncertain significance (1 of 4 stars; one submission).

Submission:

GeneDx
Classification: Uncertain significance. Last evaluated: 2023-10-27. Review status: criteria provided, single submitter. Criteria: GeneDx Variant Classification Process June 2021. Collection method: clinical testing. Allele origin: germline. Affected: yes.
Comment: Not observed at significant frequency in large population cohorts (gnomAD); In silico analysis supports that this missense variant has a deleterious effect on protein structure/function; Has not been previously published as pathogenic or benign to our knowledge